The following is an entry in ClinVar:

NM_000312.4(PROC):c.1237A>G (p.Thr413Ala)

Gene: PROC (protein C, inactivator of coagulation factors Va and VIIIa; plus strand). Cytogenetic location: 2q14.3.
Variant type: single nucleotide variant.
Coding change: c.1237A>G on transcript NM_000312.4 (MANE Select); coding-DNA position 1237, A replaced by G.
Protein change: p.Thr413Ala; replaces threonine 413 with alanine.
Molecular consequence: missense variant.
Genome position (GRCh38, 1-based): chr2:127,428,797, A>G. VCF-style: chr2-127428797-A-G. GRCh37 (hg19) VCF-style: chr2-128186373-A-G.
Other names: c.1420A>G, p.Thr474Ala (NM_001375602.1); c.1402A>G, p.Thr468Ala (NM_001375603.1); c.1300A>G, p.Thr434Ala (NM_001375604.1); c.1339A>G, p.Thr447Ala (NM_001375605.1); c.1405A>G, p.Thr469Ala (NM_001375606.1); c.1423A>G, p.Thr475Ala (NM_001375607.1); c.1180A>G, p.Thr394Ala (NM_001375608.1); c.1213A>G, p.Thr405Ala (NM_001375609.1); and 2 more; short protein forms T413A, T394A, T405A, T411A, T434A, T447A, T468A, T469A.
Identifiers: ClinVar variation 237632 (VCV000237632.7), dbSNP rs572021052, ClinGen allele CA1859552.

ClinVar aggregate classification (germline): Conflicting classifications of pathogenicity. Review status: criteria provided, conflicting classifications (1 of 4 stars). 2 submissions from 2 submitters: Likely pathogenic (1); Uncertain significance (1). Last evaluated 2022-02-25.

Conditions:
Reduced protein C activity. Identifiers: MedGen C0398625, MeSH D020151, HP:0005543.
Thrombophilia due to protein C deficiency, autosomal dominant. Also called: PROC DEFICIENCY, AUTOSOMAL DOMINANT; PROTEIN C DEFICIENCY, AUTOSOMAL DOMINANT. Identifiers: Orphanet 745, MedGen C2674321, MONDO:0008316, OMIM 176860. Disease mechanism: loss of function.

Allele frequency attached by ClinVar (database versions not stated): ExAC 0.00001; gnomAD 0.00001; gnomAD exomes 0.00002; TOPMed 0.00002; 1000 Genomes Project 0.00020; 1000 Genomes Project 30x 0.00031.
gnomAD v4.1: 36 of 1,612,096 alleles (0.0022%); highest among the groups gnomAD compares: Non-Finnish European, 0.0028%; no homozygotes.

Submissions (2):

Labcorp Genetics (formerly Invitae), Labcorp
Classification: Uncertain significance for Thrombophilia due to protein C deficiency, autosomal dominant. Last evaluated: 2022-02-25. Review status: criteria provided, single submitter. Criteria: Invitae Variant Classification Sherloc (09022015). Collection method: clinical testing. Allele origin: germline.
Comment: This sequence change replaces threonine, which is neutral and polar, with alanine, which is neutral and non-polar, at codon 413 of the PROC protein (p.Thr413Ala). This variant is present in population databases (rs572021052, gnomAD no frequency). This missense change has been observed in individual(s) with protein C deficiency (PMID: 7482420, 31064749). This variant is also known as 8826A>G and T371A. ClinVar contains an entry for this variant (Variation ID: 237632). Algorithms developed to predict the effect of missense changes on protein structure and function are either unavailable or do not agree on the potential impact of this missense change (SIFT: "Deleterious"; PolyPhen-2: "Probably Damaging"; Align-GVGD: "Class C0"). In summary, the available evidence is currently insufficient to determine the role of this variant in disease. Therefore, it has been classified as a Variant of Uncertain Significance.

NIHR Bioresource Rare Diseases, University of Cambridge
Classification: Likely pathogenic for Reduced protein C activity. Last evaluated: 2019-02-01. Review status: criteria provided, single submitter. Criteria: ACMG Guidelines, 2015. Collection method: research. Allele origin: unknown. Affected: yes. Observed: 1 compound heterozygote. Study: ThromboGenomics.

Literature cited by the submitters: PubMed 7482420 (cited by Labcorp Genetics (formerly Invitae), Labcorp); PubMed 31064749 (cited by Labcorp Genetics (formerly Invitae), Labcorp and NIHR Bioresource Rare Diseases, University of Cambridge).